The following is an entry in ClinVar:

NM_021147.5(CCNO):c.568-1G>A

Gene: CCNO (cyclin O; minus strand). Cytogenetic location: 5q11.2.
Variant type: single nucleotide variant.
Coding change: c.568-1G>A on transcript NM_021147.5 (MANE Select); the canonical splice acceptor site of the intron before coding-DNA position 568, G replaced by A.
Molecular consequence: splice acceptor variant.
Genome position (GRCh38, 1-based): chr5:55,231,861, C>T on the plus strand (G>A on the coding strand, the complement: CCNO is on the minus strand). VCF-style: chr5-55231861-C-T. GRCh37 (hg19) VCF-style: chr5-54527689-C-T.
Identifiers: ClinVar variation 665705 (VCV000665705.1), dbSNP rs1312679513, ClinGen allele CA359722126.

ClinVar aggregate classification (germline): Uncertain significance (1 of 4 stars; one submission).

Conditions:
Primary ciliary dyskinesia. Also called: Ciliary dyskinesia. Identifiers: Orphanet 244, MedGen C0008780, MONDO:0016575, HP:0012265.

Submission:

Labcorp Genetics (formerly Invitae), Labcorp
Classification: Uncertain significance for Primary ciliary dyskinesia. Last evaluated: 2018-09-12. Review status: criteria provided, single submitter. Criteria: Invitae Variant Classification Sherloc (09022015). Collection method: clinical testing. Allele origin: germline.
Comment: This sequence change affects an acceptor splice site in the last intron (intron 2) of the CCNO gene. While this is not anticipated to result in nonsense mediated decay, it likely alters RNA splicing and results in a disrupted protein product. The frequency data for this variant in the population databases is considered unreliable, as metrics indicate insufficient coverage at this position in the ExAC database. This variant has not been reported in the literature in individuals with a CCNO-related disease. Nucleotide substitutions within the consensus splice site are a relatively common cause of aberrant splicing (PMID: 17576681, 9536098). Algorithms developed to predict the effect of sequence changes on RNA splicing suggest that this variant may disrupt the consensus splice site, but this prediction has not been confirmed by published transcriptional studies. In summary, the available evidence is currently insufficient to determine the role of this variant in disease. Therefore, it has been classified as a Variant of Uncertain Significance.